The following is an entry in ClinVar:

ClinVar aggregate classification (germline): Pathogenic (1 of 4 stars; one submission).

Submission:

Labcorp Genetics (formerly Invitae), Labcorp
Classification: Pathogenic. Last evaluated: 2022-05-20. Review status: criteria provided, single submitter. Criteria: Invitae Variant Classification Sherloc (09022015). Collection method: clinical testing. Allele origin: germline.
Comment: This sequence change creates a premature translational stop signal (p.Tyr1780*) in the MYO7A gene. It is expected to result in an absent or disrupted protein product. Loss-of-function variants in MYO7A are known to be pathogenic (PMID: 8900236, 25404053). This variant is not present in population databases (gnomAD no frequency). This variant has not been reported in the literature in individuals affected with MYO7A-related conditions. For these reasons, this variant has been classified as Pathogenic.

Literature cited by the submitters: PubMed 8900236; PubMed 25404053.

NM_000260.4(MYO7A):c.5340C>A (p.Tyr1780Ter)

Gene: MYO7A (myosin VIIA; plus strand). Cytogenetic location: 11q13.5.
Variant type: single nucleotide variant.
Coding change: c.5340C>A on transcript NM_000260.4 (MANE Select); coding-DNA position 5340, C replaced by A.
Protein change: p.Tyr1780Ter; replaces tyrosine 1780 with a stop codon.
Molecular consequence: nonsense.
Genome position (GRCh38, 1-based): chr11:77,204,089, C>A. VCF-style: chr11-77204089-C-A. GRCh37 (hg19) VCF-style: chr11-76915134-C-A.
Other names: c.5226C>A, p.Tyr1742Ter (NM_001127180.2); c.5193C>A, p.Tyr1731Ter (NM_001369365.1); short protein forms Y1742*, Y1780*, Y1731*.
Identifiers: ClinVar variation 1996680 (VCV001996680.4), dbSNP rs1957267246, ClinGen allele CA381952521.
Genomic context (GRCh38, chr11:77,204,089, plus strand): 5'-CCAGTGCTCCCTCTATTCGGCACAAGCCCTTCCTTGACAGTCCCCAGCTGTGCTCAAGTA[C>A]ATGGGCGACTACCCGTCCAAGAGGACACGCTCCGTCAACGAGCTCACCGACCAGATCTTT-3'